The following is an entry in ClinVar:

NM_004006.3(DMD):c.4454T>A (p.Leu1485Ter)

Gene: DMD (dystrophin; minus strand). Cytogenetic location: Xp21.1.
Variant type: single nucleotide variant.
Coding change: c.4454T>A on transcript NM_004006.3 (MANE Select); coding-DNA position 4454, T replaced by A.
Protein change: p.Leu1485Ter; replaces leucine 1485 with a stop codon.
Molecular consequence: nonsense.
Genome position (GRCh38, 1-based): chrX:32,389,565, A>T on the plus strand (T>A on the coding strand, the complement: DMD is on the minus strand). VCF-style: chrX-32389565-A-T. GRCh37 (hg19) VCF-style: chrX-32407682-A-T.
Other names: c.4430T>A, p.Leu1477Ter (NM_000109.4); c.4442T>A, p.Leu1481Ter (NM_004009.3); c.4085T>A, p.Leu1362Ter (NM_004010.3); c.431T>A, p.Leu144Ter (NM_004011.4); c.422T>A, p.Leu141Ter (NM_004012.4); short protein forms L1362*, L141*, L144*, L1477*, L1481*, L1485*.
Identifiers: ClinVar variation 983945 (VCV000983945.4), dbSNP rs2097986340, ClinGen allele CA412663154.

ClinVar aggregate classification (germline): Likely pathogenic (1 of 4 stars; one submission).

Conditions:
Progressive muscular dystrophy. Identifiers: Orphanet 206644, MedGen C4551827, MONDO:0016106.

Submission:

Myriad Genetics, Inc.
Classification: Likely pathogenic for Progressive muscular dystrophy. Last evaluated: 2019-03-31. Review status: criteria provided, single submitter. Criteria: Myriad Autosomal Dominant, Autosomal Recessive and X-Linked Classification Criteria (2023). Collection method: clinical testing. Allele origin: unknown.
Comment: NM_004006.2(DMD):c.4454T>A(L1485*) is expected to be pathogenic in the context of dystrophinopathy (including Duchenne/Becker muscular dystrophy). This variant is predicted to lead to an abnormal or absent protein product due to the creation of a premature termination codon in DMD, a gene where loss-of-function variants are known to be pathogenic. Please note: this variant was assessed in the context of healthy population screening.